The following is an entry in ClinVar:

ClinVar aggregate classification (germline): Benign (3 of 4 stars; one submission).

Conditions:
Breast-ovarian cancer, familial, susceptibility to, 2 (BROVCA2). Also called: BRCA2 Hereditary Breast and Ovarian Cancer. Identifiers: Orphanet 145, MedGen C2675520, MONDO:0012933, OMIM 612555. Disease mechanism: loss of function.

Allele frequency attached by ClinVar (database versions not stated): gnomAD 0.00182 and 0.00191; TOPMed 0.00223; 1000 Genomes Project 30x 0.00328; 1000 Genomes Project 0.00359.
gnomAD v4.1: 273 of 152,314 alleles (0.18%); highest among the groups gnomAD compares: African/African-American, 0.63%; 1 homozygote.

Submission:

Evidence-based Network for the Interpretation of Germline Mutant Alleles (ENIGMA)
Classification: Benign for Breast-ovarian cancer, familial, susceptibility to, 2. Last evaluated: 2016-09-28. Review status: reviewed by expert panel. Criteria: ENIGMA BRCA1/2 Classification Criteria (2015). Collection method: curation. Allele origin: germline.
Comment: Class 1 not pathogenic based on frequency >1% in an outbred sampleset. Frequency 0.0136 (African), derived from 1000 genomes (2013-05-02).

NM_000059.4(BRCA2):c.426-261T>A

Gene: BRCA2 (BRCA2 DNA repair associated; plus strand). Cytogenetic location: 13q13.1.
Variant type: single nucleotide variant.
Coding change: c.426-261T>A on transcript NM_000059.4 (MANE Select); 261 bases into the intron before coding-DNA position 426, T replaced by A.
Molecular consequence: intron variant.
Genome position (GRCh38, 1-based): chr13:32,325,840, T>A. VCF-style: chr13-32325840-T-A. GRCh37 (hg19) VCF-style: chr13-32899977-T-A.
Identifiers: ClinVar variation 264871 (VCV000264871.1), dbSNP rs542917942, ClinGen allele CA10588080.